The following is an entry in ClinVar:

NM_000501.4(ELN):c.1358-192C>T

Gene: ELN (elastin; plus strand). Cytogenetic location: 7q11.23.
Variant type: single nucleotide variant.
Coding change: c.1358-192C>T on transcript NM_000501.4 (MANE Select); 192 bases into the intron before coding-DNA position 1358, C replaced by T.
Molecular consequence: intron variant. On other transcripts: missense variant (1).
Genome position (GRCh38, 1-based): chr7:74,057,448, C>T. VCF-style: chr7-74057448-C-T. GRCh37 (hg19) VCF-style: chr7-73471778-C-T.
Other names: c.1424C>T, p.Pro475Leu (NM_001278939.2); c.1373-192C>T (NM_001081754.3); c.1372+735C>T (NM_001081753.3); c.1358-192C>T (NM_001278915.2, NM_001278912.2); c.1357+735C>T (NM_001081755.3); c.1315+735C>T (NM_001278916.2); c.1171+735C>T (NM_001278913.2); c.1342+735C>T (NM_001278914.2); and 3 more; short protein forms P475L.
Identifiers: ClinVar variation 524221 (VCV000524221.12), dbSNP rs185060213, ClinGen allele CA4292993.

ClinVar aggregate classification (germline): Conflicting classifications of pathogenicity. Review status: criteria provided, conflicting classifications (1 of 4 stars). 3 submissions from 3 submitters: Uncertain significance (1); Benign (1); Likely benign (1). Last evaluated 2025-12-23.

Conditions:
Supravalvar aortic stenosis (SVAS). Also called: Supravalvar aortic stenosis, Eisenberg type. Identifiers: Orphanet 3193, MedGen C0003499, MONDO:0008504, OMIM 185500, HP:0004381.

Allele frequency attached by ClinVar (database versions not stated): 1000 Genomes Project 0.00060; 1000 Genomes Project 30x 0.00062; gnomAD exomes 0.00001; ExAC 0.00002; gnomAD 0.00006 and 0.00008; TOPMed 0.00012.
gnomAD v4.1: 53 of 1,538,164 alleles (0.0034%); highest among the groups gnomAD compares: Admixed American, 0.022%; no homozygotes.

Submissions (3):

Labcorp Genetics (formerly Invitae), Labcorp
Classification: Uncertain significance for Supravalvar aortic stenosis. Last evaluated: 2025-12-23. Review status: criteria provided, single submitter. Criteria: Invitae Variant Classification Sherloc (09022015). Collection method: clinical testing. Allele origin: germline.
Comment: This sequence change replaces proline, which is neutral and non-polar, with leucine, which is neutral and non-polar, at codon 475 of the ELN protein (p.Pro475Leu). This variant is present in population databases (rs185060213, gnomAD 0.01%). This missense change has been observed in individual(s) with clinical features of ELN-related conditions (internal data). ClinVar contains an entry for this variant (Variation ID: 524221). Invitae Evidence Modeling of protein sequence and biophysical properties (such as structural, functional, and spatial information, amino acid conservation, physicochemical variation, residue mobility, and thermodynamic stability) indicates that this missense variant is not expected to disrupt ELN protein function with a negative predictive value of 80%. In summary, the available evidence is currently insufficient to determine the role of this variant in disease. Therefore, it has been classified as a Variant of Uncertain Significance.

Blueprint Genetics
Classification: Likely benign. Last evaluated: 2024-05-27. Review status: criteria provided, single submitter. Criteria: ACMG Guidelines, 2015. Collection method: clinical testing. Allele origin: germline.

Laboratorio de Genetica e Diagnostico Molecular, Hospital Israelita Albert Einstein
Classification: Benign. Last evaluated: 2022-02-21. Review status: criteria provided, single submitter. Criteria: ACMG Guidelines, 2015. Collection method: clinical testing. Allele origin: germline. Affected: yes.
Comment: ACMG classification criteria: BS1, BS2, BP4